The following is an entry in ClinVar:

ClinVar aggregate classification (germline): Likely pathogenic. Review status: criteria provided, multiple submitters, no conflicts (2 of 4 stars). 2 submissions from 2 submitters: Likely pathogenic (2). Last evaluated 2026-08-06.

Conditions:
Multiple epiphyseal dysplasia, Beighton type. Identifiers: Orphanet 166011, MedGen C1851536, MONDO:0007562, OMIM 132450.

Allele frequency attached by ClinVar (database versions not stated): gnomAD exomes below 0.00001.
gnomAD v4.1: 1 of 1,613,864 alleles (0.000062%); highest among the groups gnomAD compares: Non-Finnish European, 0.000085%; no homozygotes.

Submissions (2):

OLLIN Analises Genomicas, OLLIN
Classification: Likely pathogenic for Multiple epiphyseal dysplasia, Beighton type. Last evaluated: 2026-08-06. Review status: criteria provided, single submitter. Criteria: ACMG Guidelines 2015 PMID 25741868. Collection method: clinical testing. Allele origin: germline. Inheritance: Autosomal dominant inheritance.
Comment: This missense variant, located in exon 12 (of 54), has been reported in ClinVar (accession VCV001388184.6) and in gnomAD with an allele frequency of 0.000062%. However, to our knowledge, it has not been reported in the scientific literature. In silico analysis predicts that this variant has a deleterious effect. This gene is constrained for missense variation. According to the currently available evidence, this variant has been classified as likely pathogenic (PM2_P, PP2, PP3_S).

Labcorp Genetics (formerly Invitae), Labcorp
Classification: Likely pathogenic. Last evaluated: 2023-07-06. Review status: criteria provided, single submitter. Criteria: Invitae Variant Classification Sherloc (09022015). Collection method: clinical testing. Allele origin: germline.
Comment: In summary, the currently available evidence indicates that the variant is pathogenic, but additional data are needed to prove that conclusively. Therefore, this variant has been classified as Likely Pathogenic. This variant disrupts the triple helix domain of COL2A1. Glycine residues within the Gly-Xaa-Yaa repeats of the triple helix domain are required for the structure and stability of fibrillar collagens (PMID: 7695699, 8218237, 19344236). In COL2A1, variants affecting these glycine residues are significantly enriched in individuals with disease (PMID: 9016532, 17078022) compared to the general population (ExAC). Experimental studies and prediction algorithms are not available or were not evaluated, and the functional significance of this variant is currently unknown. ClinVar contains an entry for this variant (Variation ID: 1388184). This variant has not been reported in the literature in individuals affected with COL2A1-related conditions. This variant is not present in population databases (gnomAD no frequency). This sequence change replaces glycine, which is neutral and non-polar, with serine, which is neutral and polar, at codon 255 of the COL2A1 protein (p.Gly255Ser).

Literature cited by the submitters: PubMed 7695699 (cited by Labcorp Genetics (formerly Invitae), Labcorp); PubMed 8218237 (cited by Labcorp Genetics (formerly Invitae), Labcorp); PubMed 19344236 (cited by Labcorp Genetics (formerly Invitae), Labcorp); PubMed 9016532 (cited by Labcorp Genetics (formerly Invitae), Labcorp); PubMed 17078022 (cited by Labcorp Genetics (formerly Invitae), Labcorp).

NM_001844.5(COL2A1):c.763G>A (p.Gly255Ser)

Gene: COL2A1 (collagen type II alpha 1 chain; minus strand). Cytogenetic location: 12q13.11.
Variant type: single nucleotide variant.
Coding change: c.763G>A on transcript NM_001844.5 (MANE Select); coding-DNA position 763, G replaced by A.
Protein change: p.Gly255Ser; replaces glycine 255 with serine.
Molecular consequence: missense variant.
Genome position (GRCh38, 1-based): chr12:47,994,477, C>T on the plus strand (G>A on the coding strand, the complement: COL2A1 is on the minus strand). VCF-style: chr12-47994477-C-T. GRCh37 (hg19) VCF-style: chr12-48388260-C-T.
Other names: c.556G>A, p.Gly186Ser (NM_033150.3); short protein forms G186S, G255S.
Identifiers: ClinVar variation 1388184 (VCV001388184.7), dbSNP rs2136612683, ClinGen allele CA384522513.